The following is an entry in ClinVar:

ClinVar aggregate classification (germline): Uncertain significance (1 of 4 stars; one submission).

Conditions:
Gastrointestinal stromal tumor. Also called: Gastrointestinal stromal tumor, somatic; Gastrointestinal stroma tumor. Identifiers: Orphanet 44890, MedGen C0238198, MeSH D046152, MONDO:0011719, OMIM 606764, HP:0100723.

Allele frequency attached by ClinVar (database versions not stated): TOPMed below 0.00001; gnomAD 0.00001.
gnomAD v4.1: 1 of 1,613,902 alleles (0.000062%); highest among the groups gnomAD compares: African/African-American, 0.0013%; no homozygotes.

Submission:

Labcorp Genetics (formerly Invitae), Labcorp
Classification: Uncertain significance for Gastrointestinal stromal tumor. Last evaluated: 2025-02-05. Review status: criteria provided, single submitter. Criteria: Invitae Variant Classification Sherloc (09022015). Collection method: clinical testing. Allele origin: germline.
Comment: This sequence change replaces valine, which is neutral and non-polar, with methionine, which is neutral and non-polar, at codon 216 of the KIT protein (p.Val216Met). This variant is not present in population databases (gnomAD no frequency). This variant has not been reported in the literature in individuals affected with KIT-related conditions. ClinVar contains an entry for this variant (Variation ID: 2892835). An algorithm developed to predict the effect of missense changes on protein structure and function (PolyPhen-2) suggests that this variant is likely to be disruptive. In summary, the available evidence is currently insufficient to determine the role of this variant in disease. Therefore, it has been classified as a Variant of Uncertain Significance.

NM_000222.3(KIT):c.646G>A (p.Val216Met)

Gene: KIT (KIT proto-oncogene, receptor tyrosine kinase; plus strand). Cytogenetic location: 4q12.
Variant type: single nucleotide variant.
Coding change: c.646G>A on transcript NM_000222.3 (MANE Select); coding-DNA position 646, G replaced by A.
Protein change: p.Val216Met; replaces valine 216 with methionine.
Molecular consequence: missense variant.
Genome position (GRCh38, 1-based): chr4:54,699,656, G>A. VCF-style: chr4-54699656-G-A. GRCh37 (hg19) VCF-style: chr4-55565822-G-A.
Other names: c.646G>A, p.Val216Met (NM_001093772.2, NM_001385284.1, NM_001385285.1 and 4 more transcripts); short protein forms V216M.
Identifiers: ClinVar variation 2892835 (VCV002892835.3), dbSNP rs1720323968, ClinGen allele CA356898195.